The following is an entry in ClinVar:

ClinVar aggregate classification (germline): Uncertain significance. Review status: criteria provided, multiple submitters, no conflicts (2 of 4 stars). 2 submissions from 2 submitters: Uncertain significance (2). Last evaluated 2022-01-21.

Conditions:
Gorlin syndrome. Also called: Nevoid Basal Cell Carcinoma Syndrome; Basal cell nevus syndrome. Identifiers: Orphanet 377, MedGen C0004779, MONDO:0007187.

Allele frequency attached by ClinVar (database versions not stated): gnomAD exomes 0.00001; gnomAD 0.00002; TOPMed 0.00002.
gnomAD v4.1: 16 of 1,613,720 alleles (0.00099%); highest among the groups gnomAD compares: Admixed American, 0.0033%; no homozygotes.

Submissions (2):

Labcorp Genetics (formerly Invitae), Labcorp
Classification: Uncertain significance for Gorlin syndrome. Last evaluated: 2022-01-21. Review status: criteria provided, single submitter. Criteria: Invitae Variant Classification Sherloc (09022015). Collection method: clinical testing. Allele origin: germline.
Comment: This variant is present in population databases (no rsID available, gnomAD 0.003%). This variant has not been reported in the literature in individuals affected with PTCH2-related conditions. ClinVar contains an entry for this variant (Variation ID: 661021). Algorithms developed to predict the effect of missense changes on protein structure and function are either unavailable or do not agree on the potential impact of this missense change (SIFT: "Tolerated"; PolyPhen-2: "Possibly Damaging"; Align-GVGD: "Class C0"). In summary, the available evidence is currently insufficient to determine the role of this variant in disease. Therefore, it has been classified as a Variant of Uncertain Significance. This sequence change replaces glycine, which is neutral and non-polar, with glutamic acid, which is acidic and polar, at codon 1197 of the PTCH2 protein (p.Gly1197Glu).

Ambry Genetics
Classification: Uncertain significance. Last evaluated: 2021-10-12. Review status: criteria provided, single submitter. Criteria: Ambry Variant Classification Scheme 2023. Collection method: clinical testing. Allele origin: germline.

NM_003738.5(PTCH2):c.3590G>A (p.Gly1197Glu)

Gene: PTCH2 (patched 2; minus strand). Cytogenetic location: 1p34.1.
Variant type: single nucleotide variant.
Coding change: c.3590G>A on transcript NM_003738.5 (MANE Select); coding-DNA position 3590, G replaced by A.
Protein change: p.Gly1197Glu; replaces glycine 1197 with glutamic acid.
Molecular consequence: missense variant. On other transcripts: intron variant (1).
Genome position (GRCh38, 1-based): chr1:44,822,437, C>T on the plus strand (G>A on the coding strand, the complement: PTCH2 is on the minus strand). VCF-style: chr1-44822437-C-T. GRCh37 (hg19) VCF-style: chr1-45288109-C-T.
Other names: c.3425+165G>A (NM_001166292.2); short protein forms G1197E.
Identifiers: ClinVar variation 661021 (VCV000661021.10), dbSNP rs909583917, ClinGen allele CA21804808.